The following is an entry in ClinVar:

NM_000553.6(WRN):c.490G>A (p.Val164Ile)

Gene: WRN (WRN RecQ like helicase; plus strand). Cytogenetic location: 8p12.
Variant type: single nucleotide variant.
Coding change: c.490G>A on transcript NM_000553.6 (MANE Select); coding-DNA position 490, G replaced by A.
Protein change: p.Val164Ile; replaces valine 164 with isoleucine.
Molecular consequence: missense variant.
Genome position (GRCh38, 1-based): chr8:31,065,049, G>A. VCF-style: chr8-31065049-G-A. GRCh37 (hg19) VCF-style: chr8-30922565-G-A.
Other names: short protein forms V164I.
Identifiers: ClinVar variation 2125878 (VCV002125878.4), dbSNP rs2535883139, ClinGen allele CA370915051.

ClinVar aggregate classification (germline): Uncertain significance (1 of 4 stars; one submission).

Conditions:
Werner syndrome (WRN). Identifiers: Orphanet 902, MedGen C0043119, MONDO:0010196, OMIM 277700.

Submission:

Labcorp Genetics (formerly Invitae), Labcorp
Classification: Uncertain significance for Werner syndrome. Last evaluated: 2022-04-13. Review status: criteria provided, single submitter. Criteria: Invitae Variant Classification Sherloc (09022015). Collection method: clinical testing. Allele origin: germline.
Comment: This sequence change replaces valine, which is neutral and non-polar, with isoleucine, which is neutral and non-polar, at codon 164 of the WRN protein (p.Val164Ile). In summary, the available evidence is currently insufficient to determine the role of this variant in disease. Therefore, it has been classified as a Variant of Uncertain Significance. Algorithms developed to predict the effect of missense changes on protein structure and function output the following: SIFT: "Not Available"; PolyPhen-2: "Benign"; Align-GVGD: "Not Available". The isoleucine amino acid residue is found in multiple mammalian species, which suggests that this missense change does not adversely affect protein function. This variant has not been reported in the literature in individuals affected with WRN-related conditions. This variant is not present in population databases (gnomAD no frequency).